The following is an entry in ClinVar:

ClinVar aggregate classification (germline): Uncertain significance (1 of 4 stars; one submission).

Conditions:
Congenital contractural arachnodactyly (CCA). Also called: Beals-Hecht syndrome; Arthrogryposis, distal, type 9; BEALS SYNDROME. Identifiers: Orphanet 115, MedGen C0220668, MONDO:0007363, OMIM 121050.

Allele frequency attached by ClinVar (database versions not stated): TOPMed below 0.00001; gnomAD 0.00001.

Submission:

Labcorp Genetics (formerly Invitae), Labcorp
Classification: Uncertain significance for Congenital contractural arachnodactyly. Last evaluated: 2023-09-06. Review status: criteria provided, single submitter. Criteria: Invitae Variant Classification Sherloc (09022015). Collection method: clinical testing. Allele origin: germline.
Comment: Advanced modeling of protein sequence and biophysical properties (such as structural, functional, and spatial information, amino acid conservation, physicochemical variation, residue mobility, and thermodynamic stability) performed at Invitae indicates that this missense variant is not expected to disrupt FBN2 protein function. ClinVar contains an entry for this variant (Variation ID: 1469833). This variant has not been reported in the literature in individuals affected with FBN2-related conditions. This variant is not present in population databases (gnomAD no frequency). This sequence change replaces isoleucine, which is neutral and non-polar, with methionine, which is neutral and non-polar, at codon 266 of the FBN2 protein (p.Ile266Met). In summary, the available evidence is currently insufficient to determine the role of this variant in disease. Therefore, it has been classified as a Variant of Uncertain Significance.

NM_001999.4(FBN2):c.798C>G (p.Ile266Met)

Gene: FBN2 (fibrillin 2; minus strand). Cytogenetic location: 5q23.3.
Variant type: single nucleotide variant.
Coding change: c.798C>G on transcript NM_001999.4 (MANE Select); coding-DNA position 798, C replaced by G.
Protein change: p.Ile266Met; replaces isoleucine 266 with methionine.
Molecular consequence: missense variant.
Genome position (GRCh38, 1-based): chr5:128,464,752, G>C on the plus strand (C>G on the coding strand, the complement: FBN2 is on the minus strand). VCF-style: chr5-128464752-G-C. GRCh37 (hg19) VCF-style: chr5-127800445-G-C.
Other names: short protein forms I266M.
Identifiers: ClinVar variation 1469833 (VCV001469833.8), dbSNP rs1754660877, ClinGen allele CA360754754.